The following is an entry in ClinVar:

NM_033629.6(TREX1):c.371A>G (p.His124Arg)

Genes: ATRIP (ATR interacting protein; plus strand), ATRIP-TREX1 (ATRIP-TREX1 readthrough; plus strand), TREX1 (three prime repair exonuclease 1; plus strand). Cytogenetic location: 3p21.31.
Variant type: single nucleotide variant.
Coding change: c.371A>G on transcript NM_033629.6 (MANE Select); coding-DNA position 371, A replaced by G.
Protein change: p.His124Arg; replaces histidine 124 with arginine.
Molecular consequence: missense variant. On other transcripts: non-coding transcript variant (1), 3 prime UTR variant (4).
Genome position (GRCh38, 1-based): chr3:48,467,026, A>G. VCF-style: chr3-48467026-A-G. GRCh37 (hg19) VCF-style: chr3-48508425-A-G.
Other names: c.341A>G, p.His114Arg (NM_007248.5); c.*1472A>G (NM_001271022.2, NM_001271023.2, NM_032166.4 and 1 more transcripts); short protein forms H114R, H124R.
Identifiers: ClinVar variation 3381702 (VCV003381702.1).

ClinVar aggregate classification (germline): Uncertain significance (1 of 4 stars; one submission).

gnomAD v4.1: 1 of 1,613,928 alleles (0.000062%); highest among the groups gnomAD compares: Non-Finnish European, 0.000085%; no homozygotes.

Submission:

GeneDx
Classification: Uncertain significance. Last evaluated: 2024-05-20. Review status: criteria provided, single submitter. Criteria: GeneDx Variant Classification Process June 2021. Collection method: clinical testing. Allele origin: germline. Affected: yes.
Comment: Not observed at significant frequency in large population cohorts (gnomAD); In silico analysis supports that this missense variant has a deleterious effect on protein structure/function; Has not been previously published as pathogenic or benign to our knowledge